The following is an entry in ClinVar:

NM_003072.5(SMARCA4):c.868del (p.Ala290fs)

Gene: SMARCA4 (SWI/SNF related BAF chromatin remodeling complex subunit ATPase 4; plus strand). Cytogenetic location: 19p13.2.
Variant type: Deletion.
Coding change: c.868del on transcript NM_003072.5 (MANE Select); coding-DNA position 868, one base deleted (G; older notation c.868delG).
Protein change: p.Ala290fs; shifts the reading frame from alanine 290.
Molecular consequence: frameshift variant. On other transcripts: non-coding transcript variant (1).
Genome position (GRCh38, 1-based): chr19:10,987,674, G deleted; the last of 2 consecutive G bases (chr19:10,987,673-10,987,674); deleting either gives the same sequence. VCF-style (leftmost placement, unchanged base first): chr19-10987672-TG-T. GRCh37 (hg19) VCF-style: chr19-11098348-TG-T.
Other names: c.868del, p.Ala290fs (NM_001128844.3, NM_001128845.2, NM_001128846.2 and 5 more transcripts); c.868delG, p.Ala290Argfs (NM_001411150.1); short protein forms A290fs.
Identifiers: ClinVar variation 2102769 (VCV002102769.4), dbSNP rs2514039278, ClinGen allele CA2580096297.

ClinVar aggregate classification (germline): Pathogenic (1 of 4 stars; one submission).

Conditions:
Rhabdoid tumor predisposition syndrome 2 (RTPS2). Identifiers: Orphanet 231108, Orphanet 69077, MedGen C2750074, MONDO:0013224, OMIM 613325.

Submission:

Labcorp Genetics (formerly Invitae), Labcorp
Classification: Pathogenic for Rhabdoid tumor predisposition syndrome 2. Last evaluated: 2022-02-24. Review status: criteria provided, single submitter. Criteria: Invitae Variant Classification Sherloc (09022015). Collection method: clinical testing. Allele origin: germline.
Comment: This sequence change creates a premature translational stop signal (p.Ala290Argfs*13) in the SMARCA4 gene. It is expected to result in an absent or disrupted protein product. Loss-of-function variants in SMARCA4 are known to be pathogenic (PMID: 24658001, 24658002). This variant is not present in population databases (gnomAD no frequency). This variant has not been reported in the literature in individuals affected with SMARCA4-related conditions. For these reasons, this variant has been classified as Pathogenic.

Literature cited by the submitters: PubMed 24658001; PubMed 24658002.